The following is an entry in ClinVar:

NM_001184.4(ATR):c.1811A>G (p.Asp604Gly)

Gene: ATR (ATR checkpoint kinase; minus strand). Cytogenetic location: 3q23.
Variant type: single nucleotide variant.
Coding change: c.1811A>G on transcript NM_001184.4 (MANE Select); coding-DNA position 1811, A replaced by G.
Protein change: p.Asp604Gly; replaces aspartic acid 604 with glycine.
Molecular consequence: missense variant.
Genome position (GRCh38, 1-based): chr3:142,558,698, T>C on the plus strand (A>G on the coding strand, the complement: ATR is on the minus strand). VCF-style: chr3-142558698-T-C. GRCh37 (hg19) VCF-style: chr3-142277540-T-C.
Other names: c.1619A>G, p.Asp540Gly (NM_001354579.2); short protein forms D604G, D540G.
Identifiers: ClinVar variation 2496600 (VCV002496600.2), dbSNP rs779378879, ClinGen allele CA354821087.

ClinVar aggregate classification (germline): Uncertain significance (1 of 4 stars; one submission).

Conditions:
Inborn genetic diseases. Identifiers: MedGen C0950123, MeSH D030342.

Submission:

Ambry Genetics
Classification: Uncertain significance for Inborn genetic diseases. Last evaluated: 2022-12-05. Review status: criteria provided, single submitter. Criteria: Ambry Variant Classification Scheme 2023. Collection method: clinical testing. Allele origin: germline.
Comment: The p.D604G variant (also known as c.1811A>G), located in coding exon 8 of the ATR gene, results from an A to G substitution at nucleotide position 1811. The aspartic acid at codon 604 is replaced by glycine, an amino acid with similar properties. This amino acid position is conserved. In addition, this alteration is predicted to be tolerated by in silico analysis. Since supporting evidence is limited at this time, the clinical significance of this alteration remains unclear.